The following is an entry in ClinVar:

ClinVar aggregate classification (germline): Uncertain significance. Review status: criteria provided, multiple submitters, no conflicts (2 of 4 stars). 2 submissions from 2 submitters: Uncertain significance (2). Last evaluated 2024-09-30.

Conditions:
Epidermodysplasia verruciformis. Identifiers: Orphanet 302, MedGen C0014522, MONDO:0009176.
Inborn genetic diseases. Identifiers: MedGen C0950123, MeSH D030342.

Allele frequency attached by ClinVar (database versions not stated): gnomAD exomes below 0.00001 and 0.00001.
gnomAD v4.1: 5 of 1,613,508 alleles (0.00031%); highest among the groups gnomAD compares: Admixed American, 0.0033%; no homozygotes.

Submissions (2):

Labcorp Genetics (formerly Invitae), Labcorp
Classification: Uncertain significance for Epidermodysplasia verruciformis. Last evaluated: 2024-09-30. Review status: criteria provided, single submitter. Criteria: Invitae Variant Classification Sherloc (09022015). Collection method: clinical testing. Allele origin: germline.
Comment: This sequence change replaces glutamic acid, which is acidic and polar, with lysine, which is basic and polar, at codon 755 of the TMC6 protein (p.Glu755Lys). This variant is present in population databases (no rsID available, gnomAD 0.006%). This variant has not been reported in the literature in individuals affected with TMC6-related conditions. ClinVar contains an entry for this variant (Variation ID: 655485). An algorithm developed to predict the effect of missense changes on protein structure and function (PolyPhen-2) suggests that this variant is likely to be disruptive. In summary, the available evidence is currently insufficient to determine the role of this variant in disease. Therefore, it has been classified as a Variant of Uncertain Significance.

Ambry Genetics
Classification: Uncertain significance for Inborn genetic diseases. Last evaluated: 2022-06-28. Review status: criteria provided, single submitter. Criteria: Ambry Variant Classification Scheme 2023. Collection method: clinical testing. Allele origin: germline.

NM_001127198.5(TMC6):c.2263G>A (p.Glu755Lys)

Gene: TMC6 (transmembrane channel like 6; minus strand). Cytogenetic location: 17q25.3.
Variant type: single nucleotide variant.
Coding change: c.2263G>A on transcript NM_001127198.5 (MANE Select); coding-DNA position 2263, G replaced by A.
Protein change: p.Glu755Lys; replaces glutamic acid 755 with lysine.
Molecular consequence: missense variant. On other transcripts: non-coding transcript variant (4).
Genome position (GRCh38, 1-based): chr17:78,117,283, C>T on the plus strand (G>A on the coding strand, the complement: TMC6 is on the minus strand). VCF-style: chr17-78117283-C-T. GRCh37 (hg19) VCF-style: chr17-76113364-C-T.
Other names: c.2263G>A, p.Glu755Lys (NM_001321185.1, NM_001374596.1, NM_001375353.1 and 2 more transcripts); c.2083G>A, p.Glu695Lys (NM_001374593.1, NM_001374594.1); c.2263G>A (NM_007267.6); short protein forms E755K, E695K.
Identifiers: ClinVar variation 655485 (VCV000655485.11), dbSNP rs1467967272, ClinGen allele CA401224306.